The following is an entry in ClinVar:

ClinVar aggregate classification (germline): Uncertain significance. Review status: criteria provided, multiple submitters, no conflicts (2 of 4 stars). 2 submissions from 2 submitters: Uncertain significance (2). Last evaluated 2024-03-28.

Conditions:
Immunodeficiency 19 (IMD19). Also called: IMMUNODEFICIENCY 19, SEVERE COMBINED; CD3-DELTA DEFICIENCY; SEVERE COMBINED IMMUNODEFICIENCY, T CELL-NEGATIVE, B CELL-POSITIVE, NK CELL-POSITIVE; SCID, T CELL-NEGATIVE, B CELL-POSITIVE, NK CELL-POSITIVE. Identifiers: MedGen C3810147, MONDO:0014280, OMIM 615617.
Inborn genetic diseases. Identifiers: MedGen C0950123, MeSH D030342.

Allele frequency attached by ClinVar (database versions not stated): gnomAD 0.00001; TOPMed 0.00001; gnomAD exomes 0.00001.
gnomAD v4.1: 21 of 1,613,762 alleles (0.0013%); highest among the groups gnomAD compares: Middle Eastern, 0.033%; no homozygotes.

Submissions (2):

Ambry Genetics
Classification: Uncertain significance for Inborn genetic diseases. Last evaluated: 2024-03-28. Review status: criteria provided, single submitter. Criteria: Ambry Variant Classification Scheme 2023. Collection method: clinical testing. Allele origin: germline.

Labcorp Genetics (formerly Invitae), Labcorp
Classification: Uncertain significance for Immunodeficiency 19. Last evaluated: 2022-07-19. Review status: criteria provided, single submitter. Criteria: Invitae Variant Classification Sherloc (09022015). Collection method: clinical testing. Allele origin: germline.
Comment: This sequence change replaces arginine, which is basic and polar, with glutamine, which is neutral and polar, at codon 169 of the CD3D protein (p.Arg169Gln). This variant is present in population databases (rs200108243, gnomAD 0.005%). This variant has not been reported in the literature in individuals affected with CD3D-related conditions. ClinVar contains an entry for this variant (Variation ID: 1016811). Algorithms developed to predict the effect of missense changes on protein structure and function output the following: SIFT: "Deleterious"; PolyPhen-2: "Benign"; Align-GVGD: "Class C0". The glutamine amino acid residue is found in multiple mammalian species, which suggests that this missense change does not adversely affect protein function. In summary, the available evidence is currently insufficient to determine the role of this variant in disease. Therefore, it has been classified as a Variant of Uncertain Significance.

NM_000732.6(CD3D):c.506G>A (p.Arg169Gln)

Gene: CD3D (CD3 delta subunit of T-cell receptor complex; minus strand). Cytogenetic location: 11q23.3.
Variant type: single nucleotide variant.
Coding change: c.506G>A on transcript NM_000732.6 (MANE Select); coding-DNA position 506, G replaced by A.
Protein change: p.Arg169Gln; replaces arginine 169 with glutamine.
Molecular consequence: missense variant.
Genome position (GRCh38, 1-based): chr11:118,339,172, C>T on the plus strand (G>A on the coding strand, the complement: CD3D is on the minus strand). VCF-style: chr11-118339172-C-T. GRCh37 (hg19) VCF-style: chr11-118209887-C-T.
Other names: c.374G>A, p.Arg125Gln (NM_001040651.2); c.506G>A (NM_000732.4); short protein forms R125Q, R169Q.
Identifiers: ClinVar variation 1016811 (VCV001016811.6), dbSNP rs200108243, ClinGen allele CA229521814.
Genomic context (GRCh38, chr11:118,339,172, plus strand): 5'-GGGAAGGTACAGTTGGTAATGGCTGCTTCTAGAAGCCACCAGTCTCAGGTTCACTTGTTC[C>T]GAGCCCAGTTTCCTCCAAGGTGGCTGTACTGAGCATCATCTCGATCTCGGAGGGGCTAAG-3'
Protein context (NP_000723.1, residues 159-171): QYSHLGGNWA[Arg169Gln]NK